The following is an entry in ClinVar:

ClinVar aggregate classification (germline): Conflicting classifications of pathogenicity. Review status: criteria provided, conflicting classifications (1 of 4 stars). 4 submissions from 4 submitters: Uncertain significance (2); Likely benign (1). 1 of the submissions does not count toward it. Last evaluated 2024-12-14.

Conditions:
Periventricular heterotopia with microcephaly, autosomal recessive (ARPHM). Also called: PERIVENTRICULAR NODULAR HETEROTOPIA 2; Periventricular heterotopia with microcephaly. Identifiers: Orphanet 2149, MedGen C1842563, MONDO:0011966, OMIM 608097.
ARFGEF2-related disorder. Also called: ARFGEF2-related condition.

Allele frequency attached by ClinVar (database versions not stated): gnomAD exomes 0.00003 and 0.00008; gnomAD 0.00004 and 0.00008; TOPMed 0.00006; ExAC 0.00008; 1000 Genomes Project 30x 0.00016; 1000 Genomes Project 0.00020.

Submissions (4):

Labcorp Genetics (formerly Invitae), Labcorp
Classification: Likely benign. Last evaluated: 2024-12-14. Review status: criteria provided, single submitter. Criteria: Invitae Variant Classification Sherloc (09022015). Collection method: clinical testing. Allele origin: germline.

Illumina Laboratory Services, Illumina
Classification: Uncertain significance for Periventricular heterotopia with microcephaly, autosomal recessive. Last evaluated: 2018-01-12. Review status: criteria provided, single submitter. Criteria: ICSL Variant Classification Criteria 13 December 2019. Collection method: clinical testing. Allele origin: germline.

Genetic Services Laboratory, University of Chicago
Classification: Uncertain significance. Last evaluated: 2014-12-17. Review status: criteria provided, single submitter. Criteria: ACMG Guidelines, 2015. Collection method: clinical testing. Allele origin: germline.

PreventionGenetics, part of Exact Sciences
Classification: Likely benign for ARFGEF2-related condition. Last evaluated: 2024-08-09. Review status: no assertion criteria provided. Collection method: clinical testing. Allele origin: germline. Not counted in ClinVar's aggregate classification.
Comment: This variant is classified as likely benign based on ACMG/AMP sequence variant interpretation guidelines (Richards et al. 2015 PMID: 25741868, with internal and published modifications).

NM_006420.3(ARFGEF2):c.4332G>A (p.Ala1444=)

Gene: ARFGEF2 (ARF guanine nucleotide exchange factor 2; plus strand). Cytogenetic location: 20q13.13.
Variant type: single nucleotide variant.
Coding change: c.4332G>A on transcript NM_006420.3 (MANE Select); coding-DNA position 4332, G replaced by A.
Protein change: p.Ala1444=; no amino-acid change (alanine 1444 retained).
Molecular consequence: synonymous variant.
Genome position (GRCh38, 1-based): chr20:49,017,265, G>A. VCF-style: chr20-49017265-G-A. GRCh37 (hg19) VCF-style: chr20-47633802-G-A.
Identifiers: ClinVar variation 210241 (VCV000210241.12), dbSNP rs201206379, ClinGen allele CA205328.